The following is an entry in ClinVar:

NM_000059.4(BRCA2):c.4936G>C (p.Glu1646Gln)

Gene: BRCA2 (BRCA2 DNA repair associated; plus strand). Cytogenetic location: 13q13.1.
Variant type: single nucleotide variant.
Coding change: c.4936G>C on transcript NM_000059.4 (MANE Select); coding-DNA position 4936, G replaced by C.
Protein change: p.Glu1646Gln; replaces glutamic acid 1646 with glutamine.
Molecular consequence: missense variant.
Genome position (GRCh38, 1-based): chr13:32,339,291, G>C. VCF-style: chr13-32339291-G-C. GRCh37 (hg19) VCF-style: chr13-32913428-G-C.
Other names: short protein forms E1646Q.
Identifiers: ClinVar variation 864095 (VCV000864095.11), dbSNP rs886038111, ClinGen allele CA387783693.

ClinVar aggregate classification (germline): Conflicting classifications of pathogenicity. Review status: criteria provided, conflicting classifications (1 of 4 stars). 2 submissions from 2 submitters: Uncertain significance (1); Likely benign (1). Last evaluated 2023-03-23.

Conditions:
Hereditary cancer-predisposing syndrome. Also called: Hereditary Cancer Syndrome; Tumor predisposition; Neoplastic Syndromes, Hereditary; Hereditary neoplastic syndrome. Identifiers: Orphanet 140162, MedGen C0027672, MeSH D009386, MONDO:0015356.
Hereditary breast ovarian cancer syndrome. Also called: Hereditary breast and ovarian cancer syndrome; Hereditary breast and/or ovarian cancer syndrome; Hereditary breast and ovarian cancer syndrome (HBOC); Breast and ovarian cancer; Hereditary breast and ovarian cancer; BRCA1- and BRCA2-Associated Hereditary Breast and Ovarian Cancer. Identifiers: Orphanet 145, MedGen C0677776, MeSH D061325, MONDO:0003582. Disease mechanism: loss of function.

Submissions (2):

University of Washington Department of Laboratory Medicine, University of Washington
Classification: Likely benign for Hereditary cancer-predisposing syndrome. Last evaluated: 2023-03-23. Review status: criteria provided, single submitter. Criteria: Dines et al. (Genet Med. 2020). Collection method: curation. Allele origin: germline.
Comment: Missense variant in a coldspot region where missense variants are very unlikely to be pathogenic (PMID:31911673).

BRCA2 exon 11 coldspot. Reclassification based on statistical prior probability.

Labcorp Genetics (formerly Invitae), Labcorp
Classification: Uncertain significance for Hereditary breast ovarian cancer syndrome. Last evaluated: 2019-12-16. Review status: criteria provided, single submitter. Criteria: Invitae Variant Classification Sherloc (09022015). Collection method: clinical testing. Allele origin: germline.
Comment: This variant has been reported in individuals in the Leiden Open-source Variation Database (PMID: 21520333). In summary, the available evidence is currently insufficient to determine the role of this variant in disease. Therefore, it has been classified as a Variant of Uncertain Significance. Algorithms developed to predict the effect of missense changes on protein structure and function output the following: SIFT: "Tolerated"; PolyPhen-2: "Benign"; Align-GVGD: "Class C0". The glutamine amino acid residue is found in multiple mammalian species, suggesting that this missense change does not adversely affect protein function. These predictions have not been confirmed by published functional studies and their clinical significance is uncertain. This variant is not present in population databases (ExAC no frequency). This sequence change replaces glutamic acid with glutamine at codon 1646 of the BRCA2 protein (p.Glu1646Gln). The glutamic acid residue is weakly conserved and there is a small physicochemical difference between glutamic acid and glutamine.

Literature cited by the submitters: PubMed 21520333 (cited by Labcorp Genetics (formerly Invitae), Labcorp).